The following is an entry in ClinVar:

ClinVar aggregate classification (germline): Uncertain significance (1 of 4 stars; one submission).

Allele frequency attached by ClinVar (database versions not stated): gnomAD exomes 0.00002.
gnomAD v4.1: 15 of 1,613,952 alleles (0.00093%); highest among the groups gnomAD compares: African/African-American, 0.0013%; no homozygotes.

Submission:

GeneDx
Classification: Uncertain significance. Last evaluated: 2022-12-06. Review status: criteria provided, single submitter. Criteria: GeneDx Variant Classification Process June 2021. Collection method: clinical testing. Allele origin: germline. Affected: yes.
Comment: Not observed at significant frequency in large population cohorts (gnomAD); In silico analysis supports that this missense variant has a deleterious effect on protein structure/function; Has not been previously published as pathogenic or benign to our knowledge

NM_014363.6(SACS):c.8942T>C (p.Leu2981Pro)

Gene: SACS (sacsin molecular chaperone; minus strand). Cytogenetic location: 13q12.12.
Variant type: single nucleotide variant.
Coding change: c.8942T>C on transcript NM_014363.6 (MANE Select); coding-DNA position 8942, T replaced by C.
Protein change: p.Leu2981Pro; replaces leucine 2981 with proline.
Molecular consequence: missense variant.
Genome position (GRCh38, 1-based): chr13:23,334,934, A>G on the plus strand (T>C on the coding strand, the complement: SACS is on the minus strand). VCF-style: chr13-23334934-A-G. GRCh37 (hg19) VCF-style: chr13-23909073-A-G.
Other names: c.8501T>C, p.Leu2834Pro (NM_001278055.2); short protein forms L2834P, L2981P.
Identifiers: ClinVar variation 2504674 (VCV002504674.1), dbSNP rs1447340874, ClinGen allele CA387515533.